The following is an entry in ClinVar:

NM_172364.5(CACNA2D4):c.3085G>A (p.Gly1029Arg)

Gene: CACNA2D4 (calcium voltage-gated channel auxiliary subunit alpha2delta 4; minus strand). Cytogenetic location: 12p13.33.
Variant type: single nucleotide variant.
Coding change: c.3085G>A on transcript NM_172364.5 (MANE Select); coding-DNA position 3085, G replaced by A.
Protein change: p.Gly1029Arg; replaces glycine 1029 with arginine.
Molecular consequence: missense variant.
Genome position (GRCh38, 1-based): chr12:1,797,446, C>T on the plus strand (G>A on the coding strand, the complement: CACNA2D4 is on the minus strand). VCF-style: chr12-1797446-C-T. GRCh37 (hg19) VCF-style: chr12-1906612-C-T.
Other names: short protein forms G1029R.
Identifiers: ClinVar variation 2992873 (VCV002992873.2), dbSNP rs1371561669, ClinGen allele CA383348482.

ClinVar aggregate classification (germline): Uncertain significance (1 of 4 stars; one submission).

Allele frequency attached by ClinVar (database versions not stated): gnomAD exomes 0.00001; TOPMed 0.00001.
gnomAD v4.1: 7 of 1,571,070 alleles (0.00045%); highest among the groups gnomAD compares: Admixed American, 0.0018%; no homozygotes.

Submission:

Labcorp Genetics (formerly Invitae), Labcorp
Classification: Uncertain significance. Last evaluated: 2023-05-23. Review status: criteria provided, single submitter. Criteria: Invitae Variant Classification Sherloc (09022015). Collection method: clinical testing. Allele origin: germline.
Comment: In summary, the available evidence is currently insufficient to determine the role of this variant in disease. Therefore, it has been classified as a Variant of Uncertain Significance. An algorithm developed to predict the effect of missense changes on protein structure and function (PolyPhen-2) suggests that this variant is likely to be disruptive. This variant has not been reported in the literature in individuals affected with CACNA2D4-related conditions. The frequency data for this variant in the population databases is considered unreliable, as metrics indicate poor data quality at this position in the gnomAD database. This sequence change replaces glycine, which is neutral and non-polar, with arginine, which is basic and polar, at codon 1029 of the CACNA2D4 protein (p.Gly1029Arg).